The following is an entry in ClinVar:

ClinVar aggregate classification (germline): Uncertain significance (1 of 4 stars; one submission).

Submission:

Labcorp Genetics (formerly Invitae), Labcorp
Classification: Uncertain significance. Last evaluated: 2023-04-24. Review status: criteria provided, single submitter. Criteria: Invitae Variant Classification Sherloc (09022015). Collection method: clinical testing. Allele origin: germline.
Comment: In summary, the available evidence is currently insufficient to determine the role of this variant in disease. Therefore, it has been classified as a Variant of Uncertain Significance. Algorithms developed to predict the effect of sequence changes on RNA splicing suggest that this variant may create or strengthen a splice site. This variant has not been reported in the literature in individuals affected with UNC119-related conditions. This variant is not present in population databases (gnomAD no frequency). This sequence change falls in intron 4 of the UNC119 gene. It does not directly change the encoded amino acid sequence of the UNC119 protein.

NM_005148.4(UNC119):c.610+14G>T

Gene: UNC119 (unc-119 lipid binding chaperone; minus strand). Cytogenetic location: 17q11.2.
Variant type: single nucleotide variant.
Coding change: c.610+14G>T on transcript NM_005148.4 (MANE Select); 14 bases into the intron after coding-DNA position 610, G replaced by T.
Molecular consequence: intron variant. On other transcripts: synonymous variant (1).
Genome position (GRCh38, 1-based): chr17:28,547,663, C>A on the plus strand (G>T on the coding strand, the complement: UNC119 is on the minus strand). VCF-style: chr17-28547663-C-A. GRCh37 (hg19) VCF-style: chr17-26874681-C-A.
Other names: c.624G>T, p.Gly208= (NM_054035.2); c.325+14G>T (NM_001330166.2).
Identifiers: ClinVar variation 2995639 (VCV002995639.3), dbSNP rs2508463154, ClinGen allele CA2636838213.